The following is an entry in ClinVar:

ClinVar aggregate classification (germline): Uncertain significance. Review status: criteria provided, multiple submitters, no conflicts (2 of 4 stars). 2 submissions from 2 submitters: Uncertain significance (2). Last evaluated 2023-06-27.

Conditions:
Amyotrophic lateral sclerosis type 4 (ALS4). Also called: NEURONOPATHY, DISTAL HEREDITARY MOTOR, WITH PYRAMIDAL FEATURES; AMYOTROPHIC LATERAL SCLEROSIS 4, JUVENILE. Identifiers: Orphanet 357043, MedGen C1865409, MONDO:0011223, OMIM 602433.
Spinocerebellar ataxia, autosomal recessive, with axonal neuropathy 2 (SCAN2). Also called: Ataxia with Oculomotor Apraxia; Ataxia-ocular apraxia-2; ATAXIA-OCULOMOTOR APRAXIA 2; Ataxia with Oculomotor Apraxia Type 2. Identifiers: Orphanet 64753, MedGen C1853761, MONDO:0018996, OMIM 606002.

Allele frequency attached by ClinVar (database versions not stated): gnomAD exomes below 0.00001; gnomAD 0.00001; TOPMed 0.00001.
gnomAD v4.1: 26 of 1,600,936 alleles (0.0016%); highest among the groups gnomAD compares: Non-Finnish European, 0.0022%; no homozygotes.

Submissions (2):

GeneDx
Classification: Uncertain significance. Last evaluated: 2023-06-27. Review status: criteria provided, single submitter. Criteria: GeneDx Variant Classification Process June 2021. Collection method: clinical testing. Allele origin: germline. Affected: yes.
Comment: Not observed at significant frequency in large population cohorts (gnomAD); In silico analysis supports that this missense variant does not alter protein structure/function; Has not been previously published as pathogenic or benign to our knowledge; This variant is associated with the following publications: (PMID: 28404951)

Labcorp Genetics (formerly Invitae), Labcorp
Classification: Uncertain significance for Amyotrophic lateral sclerosis type 4; Spinocerebellar ataxia, autosomal recessive, with axonal neuropathy 2. Last evaluated: 2021-03-01. Review status: criteria provided, single submitter. Criteria: Invitae Variant Classification Sherloc (09022015). Collection method: clinical testing. Allele origin: germline.
Comment: This sequence change replaces valine with leucine at codon 480 of the SETX protein (p.Val480Leu). The valine residue is weakly conserved and there is a small physicochemical difference between valine and leucine. This variant is not present in population databases (ExAC no frequency). This variant has not been reported in the literature in individuals with SETX-related conditions. Algorithms developed to predict the effect of missense changes on protein structure and function (SIFT, PolyPhen-2, Align-GVGD) all suggest that this variant is likely to be tolerated, but these predictions have not been confirmed by published functional studies and their clinical significance is uncertain. In summary, the available evidence is currently insufficient to determine the role of this variant in disease. Therefore, it has been classified as a Variant of Uncertain Significance.

NM_015046.7(SETX):c.1438G>T (p.Val480Leu)

Gene: SETX (senataxin; minus strand). Cytogenetic location: 9q34.13.
Variant type: single nucleotide variant.
Coding change: c.1438G>T on transcript NM_015046.7 (MANE Select); coding-DNA position 1438, G replaced by T.
Protein change: p.Val480Leu; replaces valine 480 with leucine.
Molecular consequence: missense variant.
Genome position (GRCh38, 1-based): chr9:132,330,160, C>A on the plus strand (G>T on the coding strand, the complement: SETX is on the minus strand). VCF-style: chr9-132330160-C-A. GRCh37 (hg19) VCF-style: chr9-135205547-C-A.
Other names: c.1438G>T, p.Val480Leu (NM_001351527.2, NM_001351528.2); c.1438G>T (NM_015046.5); short protein forms V480L.
Identifiers: ClinVar variation 1022984 (VCV001022984.12), dbSNP rs377301250, ClinGen allele CA200814262.